The following is an entry in ClinVar:

ClinVar aggregate classification (germline): Conflicting classifications of pathogenicity. Review status: criteria provided, conflicting classifications (1 of 4 stars). 2 submissions from 2 submitters: Uncertain significance (1); Likely benign (1). Last evaluated 2025-04-14.

Conditions:
Marfan syndrome (MFS). Also called: MARFAN SYNDROME, TYPE I; FBN1-Related Marfan Syndrome; Marfan syndrome type 1; Marfan's syndrome; Marfan syndrome, classic. Identifiers: Orphanet 284963, Orphanet 558, MedGen C0024796, MONDO:0007947, OMIM 154700.
Familial thoracic aortic aneurysm and aortic dissection (TAAD). Also called: Thoracic aortic aneurysms and dissections. Identifiers: Orphanet 91387, MedGen C4707243, MONDO:0019625.

Allele frequency attached by ClinVar (database versions not stated): gnomAD exomes below 0.00001.
gnomAD v4.1: 1 of 1,614,000 alleles (0.000062%); highest among the groups gnomAD compares: Non-Finnish European, 0.000085%; no homozygotes.

Submissions (2):

Labcorp Genetics (formerly Invitae), Labcorp
Classification: Likely benign for Marfan syndrome; Familial thoracic aortic aneurysm and aortic dissection. Last evaluated: 2025-04-14. Review status: criteria provided, single submitter. Criteria: Invitae Variant Classification Sherloc (09022015). Collection method: clinical testing. Allele origin: germline.

ARUP Laboratories, Molecular Genetics and Genomics, ARUP Laboratories
Classification: Uncertain significance. Last evaluated: 2018-07-10. Review status: criteria provided, single submitter. Criteria: ARUP Molecular Germline Variant Investigation Process. Collection method: clinical testing. Allele origin: germline.
Comment: The FBN1 c.7014C>T; p.Tyr2338Tyr variant, to our knowledge, is not reported in the medical literature or gene specific databases. This variant is also absent from general population databases (1000 Genomes Project, Exome Variant Server, and Genome Aggregation Database), indicating it is not a common polymorphism. This is a synonymous variant, but occurs in a nucleotide that is highly conserved in vertebrates. Computational analyses (Alamut v.2.11) predict that this variant does not significantly enhance splicing of two nearby cryptic splice acceptor sites, but functional studies are needed to establish whether either site could compete with the nearest canonical splice acceptor. Given the lack of clinical and functional data, the significance of the c.7014C>T; p.Tyr2338Tyr variant is uncertain at this time.

NM_000138.5(FBN1):c.7014C>T (p.Tyr2338=)

Gene: FBN1 (fibrillin 1; minus strand). Cytogenetic location: 15q21.1.
Variant type: single nucleotide variant.
Coding change: c.7014C>T on transcript NM_000138.5 (MANE Select); coding-DNA position 7014, C replaced by T.
Protein change: p.Tyr2338=; no amino-acid change (tyrosine 2338 retained).
Molecular consequence: synonymous variant.
Genome position (GRCh38, 1-based): chr15:48,427,757, G>A on the plus strand (C>T on the coding strand, the complement: FBN1 is on the minus strand). VCF-style: chr15-48427757-G-A. GRCh37 (hg19) VCF-style: chr15-48719954-G-A.
Identifiers: ClinVar variation 754715 (VCV000754715.18), dbSNP rs1555394582, ClinGen allele CA490017720.